The following is an entry in ClinVar:

ClinVar aggregate classification (germline): Uncertain significance. Review status: criteria provided, multiple submitters, no conflicts (2 of 4 stars). 2 submissions from 2 submitters: Uncertain significance (2). Last evaluated 2023-12-20.

Conditions:
Inborn genetic diseases. Identifiers: MedGen C0950123, MeSH D030342.

Allele frequency attached by ClinVar (database versions not stated): gnomAD 0.00001; TOPMed 0.00002.
gnomAD v4.1: 1 of 1,614,064 alleles (0.000062%); highest among the groups gnomAD compares: Admixed American, 0.0017%; no homozygotes.

Submissions (2):

Ambry Genetics
Classification: Uncertain significance for Inborn genetic diseases. Last evaluated: 2023-12-20. Review status: criteria provided, single submitter. Criteria: Ambry Variant Classification Scheme 2023. Collection method: clinical testing. Allele origin: germline.

Labcorp Genetics (formerly Invitae), Labcorp
Classification: Uncertain significance. Last evaluated: 2023-12-15. Review status: criteria provided, single submitter. Criteria: Invitae Variant Classification Sherloc (09022015). Collection method: clinical testing. Allele origin: germline.
Comment: This sequence change replaces glutamine, which is neutral and polar, with glutamic acid, which is acidic and polar, at codon 53 of the CA2 protein (p.Gln53Glu). This variant is not present in population databases (gnomAD no frequency). This variant has not been reported in the literature in individuals affected with CA2-related conditions. Advanced modeling of protein sequence and biophysical properties (such as structural, functional, and spatial information, amino acid conservation, physicochemical variation, residue mobility, and thermodynamic stability) performed at Invitae indicates that this missense variant is not expected to disrupt CA2 protein function with a negative predictive value of 80%. In summary, the available evidence is currently insufficient to determine the role of this variant in disease. Therefore, it has been classified as a Variant of Uncertain Significance.

NM_000067.3(CA2):c.157C>G (p.Gln53Glu)

Gene: CA2 (carbonic anhydrase 2; plus strand). Cytogenetic location: 8q21.2.
Variant type: single nucleotide variant.
Coding change: c.157C>G on transcript NM_000067.3 (MANE Select); coding-DNA position 157, C replaced by G.
Protein change: p.Gln53Glu; replaces glutamine 53 with glutamic acid.
Molecular consequence: missense variant. On other transcripts: 5 prime UTR variant (1).
Genome position (GRCh38, 1-based): chr8:85,465,394, C>G. VCF-style: chr8-85465394-C-G. GRCh37 (hg19) VCF-style: chr8-86377623-C-G.
Other names: c.-28C>G (NM_001293675.2); c.157C>G (NM_000067.2); short protein forms Q53E.
Identifiers: ClinVar variation 2896946 (VCV002896946.2), dbSNP rs1811613004, ClinGen allele CA371424694.
Genomic context (GRCh38, chr8:85,465,394, plus strand): 5'-ATCGACACTCATACAGCCAAGTATGACCCTTCCCTGAAGCCCCTGTCTGTTTCCTATGAT[C>G]AAGCAACTTCCCTGAGGATCCTCAACAATGGTCATGCTTTCAACGTGGAGTTTGATGACT-3'
Protein context (NP_000058.1, residues 43-63): SLKPLSVSYD[Gln53Glu]ATSLRILNNG